The following is an entry in ClinVar:

ClinVar aggregate classification (germline): Pathogenic/Likely pathogenic. Review status: criteria provided, multiple submitters, no conflicts (2 of 4 stars). 2 submissions from 2 submitters: Pathogenic (1); Likely pathogenic (1). Last evaluated 2022-09-08.

Conditions:
CPS1-related disorder. Also called: CPS1-related condition.
Congenital hyperammonemia, type I. Also called: Carbamoyl phosphate synthetase 1 deficiency; Hyperammonemia due to carbamoyl phosphate synthetase 1 deficiency; CPS 1 deficiency; Carbamyl phosphate synthetase (CPS) deficiency; Carbamoyl-phosphate synthase I deficiency; Carbamoyl phosphate synthetase I deficiency disease. Identifiers: Orphanet 147, MedGen C4082171, MONDO:0009376, OMIM 237300.

Submissions (2):

Blueprint Genetics
Classification: Likely pathogenic for CPS1-related disorders. Last evaluated: 2022-09-08. Review status: criteria provided, single submitter. Criteria: ACMG Guidelines, 2015. Collection method: clinical testing. Allele origin: germline. Affected: yes. Observed: 1 variant allele.

Labcorp Genetics (formerly Invitae), Labcorp
Classification: Pathogenic for Congenital hyperammonemia, type I. Last evaluated: 2021-03-01. Review status: criteria provided, single submitter. Criteria: Invitae Variant Classification Sherloc (09022015). Collection method: clinical testing. Allele origin: germline.
Comment: For these reasons, this variant has been classified as Pathogenic. This variant has been observed in individual(s) with carbamoyl phosphate synthetase I deficiency (PMID: 21120950). This variant is not present in population databases (ExAC no frequency). This sequence change creates a premature translational stop signal (p.Tyr959Cysfs*9) in the CPS1 gene. It is expected to result in an absent or disrupted protein product. Loss-of-function variants in CPS1 are known to be pathogenic (PMID: 21120950).

Literature cited by the submitters: PubMed 21120950 (cited by Labcorp Genetics (formerly Invitae), Labcorp).

NM_001875.5(CPS1):c.2876_2877del (p.Tyr959fs)

Gene: CPS1 (carbamoyl-phosphate synthase 1; plus strand). Cytogenetic location: 2q34.
Variant type: Deletion.
Coding change: c.2876_2877del on transcript NM_001875.5 (MANE Select); coding-DNA positions 2876 to 2877, 2 bases deleted (AT; older notation c.2876_2877delAT).
Protein change: p.Tyr959fs; shifts the reading frame from tyrosine 959.
Molecular consequence: frameshift variant. On other transcripts: non-coding transcript variant (2).
Genome position (GRCh38, 1-based): chr2:210,639,196-210,639,197, AT deleted; deleting any 2 consecutive bases within chr2:210,639,195-210,639,197 gives the same sequence; the c. name uses the placement nearest the transcript's 3' end. VCF-style (leftmost placement, unchanged base first): chr2-210639194-CTA-C. GRCh37 (hg19) VCF-style: chr2-211503918-CTA-C.
Other names: c.2876_2877del, p.Tyr959fs (NM_001122633.3, NM_001369257.1); c.2909_2910del, p.Tyr970fs (NM_001369256.1); short protein forms Y959fs, Y970fs.
Identifiers: ClinVar variation 1455929 (VCV001455929.9), dbSNP rs1296603906, ClinGen allele CA539123462.